The following is an entry in ClinVar:

NM_004560.4(ROR2):c.1174C>T (p.Pro392Ser)

Gene: ROR2 (receptor tyrosine kinase like orphan receptor 2; minus strand). Cytogenetic location: 9q22.31.
Variant type: single nucleotide variant.
Coding change: c.1174C>T on transcript NM_004560.4 (MANE Select); coding-DNA position 1174, C replaced by T.
Protein change: p.Pro392Ser; replaces proline 392 with serine.
Molecular consequence: missense variant. On other transcripts: intron variant (1).
Genome position (GRCh38, 1-based): chr9:91,730,919, G>A on the plus strand (C>T on the coding strand, the complement: ROR2 is on the minus strand). VCF-style: chr9-91730919-G-A. GRCh37 (hg19) VCF-style: chr9-94493201-G-A.
Other names: c.1149+25C>T (NM_001318204.2); short protein forms P392S.
Identifiers: ClinVar variation 1903021 (VCV001903021.5), dbSNP rs199817157, ClinGen allele CA195331176.
Genomic context (GRCh38, chr9:91,730,919, plus strand): 5'-AAGGTTCACTCAACAATCAACACATTAAAAAAAGAGAGAGAGAATACATACTACACGAGG[G>A]TACGTCACACAGTTCCATGCGTACGTTTTTATTCTGCGTAAAGCACCAGGGGCCCTCCAT-3'
Protein context (NP_004551.2, residues 382-402): KNVRMELCDV[Pro392Ser]SCSPRDSSKM

ClinVar aggregate classification (germline): Uncertain significance (1 of 4 stars; one submission).

Allele frequency attached by ClinVar (database versions not stated): gnomAD exomes below 0.00001; 1000 Genomes Project 30x 0.00016; 1000 Genomes Project 0.00020.

Submission:

Labcorp Genetics (formerly Invitae), Labcorp
Classification: Uncertain significance. Last evaluated: 2022-10-15. Review status: criteria provided, single submitter. Criteria: Invitae Variant Classification Sherloc (09022015). Collection method: clinical testing. Allele origin: germline.
Comment: This sequence change replaces proline, which is neutral and non-polar, with serine, which is neutral and polar, at codon 392 of the ROR2 protein (p.Pro392Ser). In summary, the available evidence is currently insufficient to determine the role of this variant in disease. Therefore, it has been classified as a Variant of Uncertain Significance. Advanced modeling of protein sequence and biophysical properties (such as structural, functional, and spatial information, amino acid conservation, physicochemical variation, residue mobility, and thermodynamic stability) performed at Invitae indicates that this missense variant is not expected to disrupt ROR2 protein function. This variant has not been reported in the literature in individuals affected with ROR2-related conditions. This variant is not present in population databases (gnomAD no frequency).